The following is an entry in ClinVar:

ClinVar aggregate classification (germline): Uncertain significance (1 of 4 stars; one submission).

gnomAD v4.1: 30 of 1,554,796 alleles (0.0019%); highest among the groups gnomAD compares: Non-Finnish European, 0.0024%; no homozygotes.

Submission:

GeneDx
Classification: Uncertain significance. Last evaluated: 2025-05-05. Review status: criteria provided, single submitter. Criteria: GeneDx Variant Classification Process June 2021. Collection method: clinical testing. Allele origin: germline. Affected: yes.
Comment: Not observed at significant frequency in large population cohorts (gnomAD); In silico analysis supports that this missense variant has a deleterious effect on protein structure/function; Has not been previously published as pathogenic or benign to our knowledge; Occurs in the triple helical domain within an interruption of the canonical Gly-X-Y repeat

NM_000092.5(COL4A4):c.2153C>T (p.Pro718Leu)

Gene: COL4A4 (collagen type IV alpha 4 chain; minus strand). Cytogenetic location: 2q36.3.
Variant type: single nucleotide variant.
Coding change: c.2153C>T on transcript NM_000092.5 (MANE Select); coding-DNA position 2153, C replaced by T.
Protein change: p.Pro718Leu; replaces proline 718 with leucine.
Molecular consequence: missense variant.
Genome position (GRCh38, 1-based): chr2:227,060,147, G>A on the plus strand (C>T on the coding strand, the complement: COL4A4 is on the minus strand). VCF-style: chr2-227060147-G-A. GRCh37 (hg19) VCF-style: chr2-227924863-G-A.
Other names: short protein forms P718L.
Identifiers: ClinVar variation 4527793 (VCV004527793.1).